The following is an entry in ClinVar:

ClinVar aggregate classification (germline): Pathogenic (1 of 4 stars; one submission).

Submission:

GeneDx
Classification: Pathogenic. Last evaluated: 2022-07-08. Review status: criteria provided, single submitter. Criteria: GeneDx Variant Classification Process June 2021. Collection method: clinical testing. Allele origin: germline. Affected: yes.
Comment: Frameshift variant predicted to result in protein truncation or nonsense mediated decay in a gene for which loss of function is a known mechanism of disease; Not observed at significant frequency in large population cohorts (gnomAD); Has not been previously published as pathogenic or benign to our knowledge

NM_001080517.1:c.1441del

Gene: SETD5 (SET domain containing 5; plus strand).
Variant type: Deletion.
Identifiers: ClinVar variation 4537892 (VCV004537892.1).